The following is an entry in ClinVar:

NM_001364905.1(LRBA):c.7194+4A>G

Gene: LRBA (LPS responsive beige-like anchor protein; minus strand). Cytogenetic location: 4q31.3.
Variant type: single nucleotide variant.
Coding change: c.7194+4A>G on transcript NM_001364905.1 (MANE Select); 4 bases into the intron after coding-DNA position 7194, A replaced by G.
Molecular consequence: intron variant.
Genome position (GRCh38, 1-based): chr4:150,415,434, T>C on the plus strand (A>G on the coding strand, the complement: LRBA is on the minus strand). VCF-style: chr4-150415434-T-C. GRCh37 (hg19) VCF-style: chr4-151336586-T-C.
Other names: c.7194+4A>G (NM_001367550.1, NM_001199282.3, NM_001440431.1); c.7227+4A>G (NM_006726.5, NM_001440430.1); c.897+4A>G (NM_001440432.1); c.891+4A>G (NM_001440433.1).
Identifiers: ClinVar variation 1310469 (VCV001310469.3), dbSNP rs374748594, ClinGen allele CA3101714.
Genomic context (GRCh38, chr4:150,415,434, plus strand): 5'-CAACACATGAAAGATGCTTTGAGCAAAAGCTCATGACAGACAGAGTAGATGATTATTATC[T>C]TACCAATCTGTTTATGTGAACAAATTCTTCTGAGGTTTTGGCCCAAGGAGGAAGTTCGAC-3'

ClinVar aggregate classification (germline): Uncertain significance. Review status: criteria provided, multiple submitters, no conflicts (2 of 4 stars). 2 submissions from 2 submitters: Uncertain significance (2). Last evaluated 2025-05-07.

Conditions:
Combined immunodeficiency due to LRBA deficiency. Also called: Common variable immunodeficiency 8, with autoimmunity. Identifiers: Orphanet 445018, MedGen C3553512, MONDO:0013863, OMIM 614700.

Allele frequency attached by ClinVar (database versions not stated): gnomAD exomes 0.00001; ExAC 0.00002; ESP Exome Variant Server 0.00008; gnomAD 0.00008 and 0.00009; TOPMed 0.00010.
gnomAD v4.1: 26 of 1,612,234 alleles (0.0016%); highest among the groups gnomAD compares: African/African-American, 0.033%; no homozygotes.

Submissions (2):

Labcorp Genetics (formerly Invitae), Labcorp
Classification: Uncertain significance for Combined immunodeficiency due to LRBA deficiency. Last evaluated: 2025-05-07. Review status: criteria provided, single submitter. Criteria: Invitae Variant Classification Sherloc (09022015). Collection method: clinical testing. Allele origin: germline.
Comment: This sequence change falls in intron 48 of the LRBA gene. It does not directly change the encoded amino acid sequence of the LRBA protein. It affects a nucleotide within the consensus splice site. This variant is present in population databases (rs374748594, gnomAD 0.01%). This variant has not been reported in the literature in individuals affected with LRBA-related conditions. ClinVar contains an entry for this variant (Variation ID: 1310469). Variants that disrupt the consensus splice site are a relatively common cause of aberrant splicing (PMID: 17576681, 9536098). Algorithms developed to predict the effect of sequence changes on RNA splicing suggest that this variant is not likely to affect RNA splicing. In summary, the available evidence is currently insufficient to determine the role of this variant in disease. Therefore, it has been classified as a Variant of Uncertain Significance.

GeneDx
Classification: Uncertain significance. Last evaluated: 2019-12-17. Review status: criteria provided, single submitter. Criteria: GeneDx Variant Classification Process June 2021. Collection method: clinical testing. Allele origin: germline. Affected: yes.
Comment: In silico analysis, which includes splice predictors and evolutionary conservation, supports a deleterious effect; Has not been previously published as pathogenic or benign to our knowledge

Literature cited by the submitters: PubMed 17576681 (cited by Labcorp Genetics (formerly Invitae), Labcorp); PubMed 9536098 (cited by Labcorp Genetics (formerly Invitae), Labcorp).